The following is an entry in ClinVar:

ClinVar aggregate classification (germline): Likely benign. Review status: criteria provided, multiple submitters, no conflicts (2 of 4 stars). 12 submissions from 12 submitters: Likely benign (9). 3 of the submissions do not count toward it. Last evaluated 2026-02-02.

Conditions:
PRDM16-related disorder. Also called: PRDM16-related condition.
Inborn genetic diseases. Identifiers: MedGen C0950123, MeSH D030342.
Left ventricular noncompaction 8 (LVNC8). Identifiers: Orphanet 154, Orphanet 54260, MedGen C3809288, MONDO:0014152, OMIM 615373.

Allele frequency attached by ClinVar (database versions not stated): ESP Exome Variant Server 0.00039; gnomAD 0.00051 and 0.00052; TOPMed 0.00059; ExAC 0.00076; gnomAD exomes 0.00079.
gnomAD v4.1: 807 of 1,612,586 alleles (0.05%); highest among the groups gnomAD compares: Middle Eastern, 0.83%; 8 homozygotes.

Submissions (12):

Labcorp Genetics (formerly Invitae), Labcorp
Classification: Likely benign for Left ventricular noncompaction 8. Last evaluated: 2026-02-02. Review status: criteria provided, single submitter. Criteria: Invitae Variant Classification Sherloc (09022015). Collection method: clinical testing. Allele origin: germline.

Women's Health and Genetics/Laboratory Corporation of America, LabCorp
Classification: Likely benign. Last evaluated: 2026-01-10. Review status: criteria provided, single submitter. Criteria: LabCorp Variant Classification Summary - May 2015. Collection method: clinical testing. Allele origin: germline.

Mayo Clinic Laboratories, Mayo Clinic
Classification: Likely benign. Last evaluated: 2025-06-26. Review status: criteria provided, single submitter. Criteria: ACMG Guidelines, 2015. Collection method: clinical testing. Allele origin: germline. Observed: 2 variant alleles.
Comment: BS1, BP4_moderate

ARUP Laboratories, Molecular Genetics and Genomics, ARUP Laboratories
Classification: Likely benign. Last evaluated: 2025-02-25. Review status: criteria provided, single submitter. Criteria: ARUP Molecular Germline Variant Investigation Process 2024. Collection method: clinical testing. Allele origin: germline.

Blueprint Genetics
Classification: Likely benign. Last evaluated: 2024-09-19. Review status: criteria provided, single submitter. Criteria: ACMG Guidelines, 2015. Collection method: clinical testing. Allele origin: germline.

Ambry Genetics
Classification: Likely benign for Inborn genetic diseases. Last evaluated: 2021-09-01. Review status: criteria provided, single submitter. Criteria: Ambry Variant Classification Scheme 2023. Collection method: clinical testing. Allele origin: germline.

GeneDx
Classification: Likely benign. Last evaluated: 2020-09-29. Review status: criteria provided, single submitter. Criteria: GeneDx Variant Classification Process June 2021. Collection method: clinical testing. Allele origin: germline. Affected: yes.

Laboratory for Molecular Medicine, Mass General Brigham Personalized Medicine
Classification: Likely benign. Last evaluated: 2016-08-04. Review status: criteria provided, single submitter. Criteria: LMM Criteria. Collection method: clinical testing. Allele origin: germline. Observed: 1 variant allele.
Comment: p.Val48Met in exon 2 of PRDM16: This variant is not expected to have clinical si gnificance due to a lack of conservation across species, including mammals. Of n ote, >20 species have a methionine (Met) at this position despite high nearby am ino acid conservation. In addition, computational prediction tools do not sugges t a high likelihood of impact to the protein. It has been identified in 0.13% (2 1/16314) of South Asian and 0.10% (62/64490) European chromosomes by the Exome A ggregation Consortium (ExAC; dbSNP rs199968728).

Breakthrough Genomics
Classification: Likely benign. Review status: criteria provided, single submitter. Criteria: ACMG Guidelines, 2015. Collection method: not provided. Allele origin: germline. Inheritance: Autosomal dominant inheritance. Affected: yes.

PreventionGenetics, part of Exact Sciences
Classification: Benign for PRDM16-related condition. Last evaluated: 2024-03-27. Review status: no assertion criteria provided. Collection method: clinical testing. Allele origin: germline. Not counted in ClinVar's aggregate classification.
Comment: This variant is classified as benign based on ACMG/AMP sequence variant interpretation guidelines (Richards et al. 2015 PMID: 25741868, with internal and published modifications).

Clinical Genetics DNA and cytogenetics Diagnostics Lab, Erasmus MC, Erasmus Medical Center
Classification: Likely benign. Review status: no assertion criteria provided. Collection method: clinical testing. Allele origin: germline. Affected: yes. Study: VKGL Data-share Consensus. Not counted in ClinVar's aggregate classification.

Clinical Genetics, Academic Medical Center
Classification: Benign. Review status: no assertion criteria provided. Collection method: clinical testing. Allele origin: germline. Affected: yes. Study: VKGL Data-share Consensus. Not counted in ClinVar's aggregate classification.

NM_022114.4(PRDM16):c.142G>A (p.Val48Met)

Gene: PRDM16 (PR/SET domain 16; plus strand). Cytogenetic location: 1p36.32.
Variant type: single nucleotide variant.
Coding change: c.142G>A on transcript NM_022114.4 (MANE Select); coding-DNA position 142, G replaced by A.
Protein change: p.Val48Met; replaces valine 48 with methionine.
Molecular consequence: missense variant.
Genome position (GRCh38, 1-based): chr1:3,186,229, G>A. VCF-style: chr1-3186229-G-A. GRCh37 (hg19) VCF-style: chr1-3102793-G-A.
Other names: c.142G>A, p.Val48Met (NM_199454.3); short protein forms V48M.
Identifiers: ClinVar variation 241420 (VCV000241420.26), dbSNP rs199968728, ClinGen allele CA543713.
Genomic context (GRCh38, chr1:3,186,229, plus strand): 5'-CTGCTGGCCAGCCACAGCGCGGAGGACGAGGCCGAGGACAGTGCCATGTCGCCCATCCCC[G>A]TGGGGCCACCGTCCCCCTTCCCCACCAGCGAGGACTTCACCCCCAAGGAGGGCTCGCCGT-3'
Protein context (NP_071397.3, residues 38-58): AEDSAMSPIP[Val48Met]GPPSPFPTSE